The following is an entry in ClinVar:

ClinVar aggregate classification (germline): Uncertain significance (1 of 4 stars; one submission).

Allele frequency attached by ClinVar (database versions not stated): gnomAD exomes below 0.00001.
gnomAD v4.1: 1 of 752,111 alleles (0.00013%); highest among the groups gnomAD compares: African/African-American, 0.0023%; no homozygotes.

Submission:

GeneDx
Classification: Uncertain significance. Last evaluated: 2022-04-26. Review status: criteria provided, single submitter. Criteria: GeneDx Variant Classification Process June 2021. Collection method: clinical testing. Allele origin: germline. Affected: yes.
Comment: Not observed at significant frequency in large population cohorts (gnomAD); In silico analysis supports that this missense variant does not alter protein structure/function; Has not been previously published as pathogenic or benign to our knowledge

NM_139058.3(ARX):c.388C>A (p.Pro130Thr)

Genes: ARX (aristaless related homeobox; minus strand), LOC109610631 (aristaless related homeobox polyalanine expansion region; plus strand). Cytogenetic location: Xp21.3.
Variant type: single nucleotide variant.
Coding change: c.388C>A on transcript NM_139058.3 (MANE Select); coding-DNA position 388, C replaced by A.
Protein change: p.Pro130Thr; replaces proline 130 with threonine.
Molecular consequence: missense variant.
Genome position (GRCh38, 1-based): chrX:25,013,607, G>T on the plus strand (C>A on the coding strand, the complement: ARX is on the minus strand). VCF-style: chrX-25013607-G-T. GRCh37 (hg19) VCF-style: chrX-25031724-G-T.
Other names: short protein forms P130T.
Identifiers: ClinVar variation 1712914 (VCV001712914.2), dbSNP rs2519107533, ClinGen allele CA412613283.